The following is an entry in ClinVar:

NM_001184.4(ATR):c.6804_6805del (p.Leu2270fs)

Gene: ATR (ATR checkpoint kinase; minus strand). Cytogenetic location: 3q23.
Variant type: Deletion.
Coding change: c.6804_6805del on transcript NM_001184.4 (MANE Select); coding-DNA positions 6804 to 6805, 2 bases deleted (TA; older notation c.6804_6805delTA).
Protein change: p.Leu2270fs; shifts the reading frame from leucine 2270.
Molecular consequence: frameshift variant.
Genome position (GRCh38, 1-based): chr3:142,466,416-142,466,417, TA deleted on the plus strand (TA on the coding strand, the reverse complement: ATR is on the minus strand). VCF-style (leftmost placement, unchanged base first): chr3-142466415-GTA-G. GRCh37 (hg19) VCF-style: chr3-142185257-GTA-G.
Other names: c.6612_6613del, p.Leu2206fs (NM_001354579.2); short protein forms L2206fs, L2270fs.
Identifiers: ClinVar variation 4798290 (VCV004798290.1).

ClinVar aggregate classification (germline): Pathogenic (1 of 4 stars; one submission).

Submission:

Labcorp Genetics (formerly Invitae), Labcorp
Classification: Pathogenic. Last evaluated: 2025-12-16. Review status: criteria provided, single submitter. Criteria: Invitae Variant Classification Sherloc (09022015). Collection method: clinical testing. Allele origin: germline.
Comment: This sequence change creates a premature translational stop signal (p.Leu2270Serfs*9) in the ATR gene. It is expected to result in an absent or disrupted protein product. Loss-of-function variants in ATR are known to be pathogenic (PMID: 21228398, 23144622). This variant is not present in population databases (gnomAD no frequency). This variant has not been reported in the literature in individuals affected with ATR-related conditions. Algorithms developed to predict the effect of sequence changes on RNA splicing suggest that this variant may disrupt the consensus splice site. For these reasons, this variant has been classified as Pathogenic.

Literature cited by the submitters: PubMed 21228398; PubMed 23144622.